The following is an entry in ClinVar:

NM_001018113.3(FANCB):c.2125C>G (p.Gln709Glu)

Gene: FANCB (FA complementation group B; minus strand). Cytogenetic location: Xp22.2.
Variant type: single nucleotide variant.
Coding change: c.2125C>G on transcript NM_001018113.3 (MANE Select); coding-DNA position 2125, C replaced by G.
Protein change: p.Gln709Glu; replaces glutamine 709 with glutamic acid.
Molecular consequence: missense variant.
Genome position (GRCh38, 1-based): chrX:14,844,543, G>C on the plus strand (C>G on the coding strand, the complement: FANCB is on the minus strand). VCF-style: chrX-14844543-G-C. GRCh37 (hg19) VCF-style: chrX-14862665-G-C.
Other names: c.2125C>G, p.Gln709Glu (NM_001324162.2, NM_152633.4); short protein forms Q709E.
Identifiers: ClinVar variation 408162 (VCV000408162.6), dbSNP rs1060501875, ClinGen allele CA16616455.

ClinVar aggregate classification (germline): Uncertain significance (1 of 4 stars; one submission).

Conditions:
Fanconi anemia (FA). Also called: Fanconi's anemia. Identifiers: Orphanet 84, MedGen C0015625, MeSH D005199, MONDO:0019391.

gnomAD v4.1: 2 of 1,206,660 alleles (0.00017%); no homozygotes.

Submission:

Labcorp Genetics (formerly Invitae), Labcorp
Classification: Uncertain significance for Fanconi anemia. Last evaluated: 2025-09-02. Review status: criteria provided, single submitter. Criteria: Invitae Variant Classification Sherloc (09022015). Collection method: clinical testing. Allele origin: germline.
Comment: This sequence change replaces glutamine, which is neutral and polar, with glutamic acid, which is acidic and polar, at codon 709 of the FANCB protein (p.Gln709Glu). This variant is not present in population databases (gnomAD no frequency). This variant has not been reported in the literature in individuals affected with FANCB-related conditions. ClinVar contains an entry for this variant (Variation ID: 408162). Invitae Evidence Modeling of protein sequence and biophysical properties (such as structural, functional, and spatial information, amino acid conservation, physicochemical variation, residue mobility, and thermodynamic stability) indicates that this missense variant is not expected to disrupt FANCB protein function with a negative predictive value of 80%. In summary, the available evidence is currently insufficient to determine the role of this variant in disease. Therefore, it has been classified as a Variant of Uncertain Significance.